The following is an entry in ClinVar:

NM_000051.4(ATM):c.9166G>T (p.Val3056Leu)

Genes: ATM (ATM serine/threonine kinase; plus strand), C11orf65 (chromosome 11 open reading frame 65; minus strand). Cytogenetic location: 11q22.3.
Variant type: single nucleotide variant.
Coding change: c.9166G>T on transcript NM_000051.4 (MANE Select); coding-DNA position 9166, G replaced by T.
Protein change: p.Val3056Leu; replaces valine 3056 with leucine.
Molecular consequence: missense variant. On other transcripts: intron variant (2).
Genome position (GRCh38, 1-based): chr11:108,365,503, G>T. VCF-style: chr11-108365503-G-T. GRCh37 (hg19) VCF-style: chr11-108236230-G-T.
Other names: p.V3056L:GTG>TTG; c.9166G>T, p.Val3056Leu (NM_001351834.2); c.640+20417C>A (NM_001330368.2); c.694+20417C>A (NM_001351110.2); short protein forms V3056L.
Identifiers: ClinVar variation 181908 (VCV000181908.57), dbSNP rs371767164, ClinGen allele CA298108.
Genomic context (GRCh38, chr11:108,365,503, plus strand): 5'-ATACAGCAGGCCATAGACCCCAAAAATCTCAGCCGACTTTTCCCAGGATGGAAAGCTTGG[G>T]TGTGATCTTCAGTATATGAATTACCCTTTCATTCAGCCTTTAGAAATTATATTTTAGCCT-3'
Protein context (NP_000042.3, residues 3046-3056): SRLFPGWKAW[Val3056Leu]

ClinVar aggregate classification (germline): Conflicting classifications of pathogenicity. Review status: criteria provided, conflicting classifications (1 of 4 stars). 15 submissions from 15 submitters: Uncertain significance (12); Likely benign (1). 2 of the submissions do not count toward it. Last evaluated 2025-07-30.

Conditions:
ATM-related disorder. Also called: ATM-related disorders; ATM-related condition.
Familial cancer of breast. Also called: hereditary breast carcinoma; BREAST CANCER, FAMILIAL; Hereditary breast cancer. Identifiers: Orphanet 227535, MedGen C0346153, MONDO:0016419, OMIM 114480. Disease mechanism: loss of function.
Ataxia-telangiectasia syndrome (AT). Also called: ATAXIA-TELANGIECTASIA, COMPLEMENTATION GROUP A; ATAXIA-TELANGIECTASIA, FRESNO VARIANT; Ataxia-telangiectasia; Ataxia-telangiectasia, complementation group E; Cerebello-oculocutaneous telangiectasia; Immunodeficiency with ataxia telangiectasia. Identifiers: Orphanet 100, MedGen C0004135, MONDO:0008840, OMIM 208900.
Hereditary cancer-predisposing syndrome. Also called: Hereditary Cancer Syndrome; Tumor predisposition; Neoplastic Syndromes, Hereditary; Hereditary neoplastic syndrome. Identifiers: Orphanet 140162, MedGen C0027672, MeSH D009386, MONDO:0015356.

Allele frequency attached by ClinVar (database versions not stated): TOPMed below 0.00001; ExAC 0.00001; gnomAD 0.00001; ESP Exome Variant Server 0.00008.
gnomAD v4.1: 5 of 1,613,954 alleles (0.00031%); highest among the groups gnomAD compares: Non-Finnish European, 0.00042%; no homozygotes.

Submissions (15):

Labcorp Genetics (formerly Invitae), Labcorp
Classification: Uncertain significance for Ataxia-telangiectasia syndrome. Last evaluated: 2025-07-30. Review status: criteria provided, single submitter. Criteria: Invitae Variant Classification Sherloc (09022015). Collection method: clinical testing. Allele origin: germline.
Comment: This sequence change replaces valine, which is neutral and non-polar, with leucine, which is neutral and non-polar, at codon 3056 of the ATM protein (p.Val3056Leu). This variant is not present in population databases (gnomAD no frequency). This missense change has been observed in individual(s) with pancreatic cancer and breast and/or ovarian cancer (PMID: 28726808, 29522266, 35264596). ClinVar contains an entry for this variant (Variation ID: 181908). Invitae Evidence Modeling of protein sequence and biophysical properties (such as structural, functional, and spatial information, amino acid conservation, physicochemical variation, residue mobility, and thermodynamic stability) indicates that this missense variant is not expected to disrupt ATM protein function with a negative predictive value of 95%. RNA analysis performed to evaluate the impact of this missense change on mRNA splicing indicates it does not significantly alter splicing (internal data). In summary, the available evidence is currently insufficient to determine the role of this variant in disease. Therefore, it has been classified as a Variant of Uncertain Significance.

CeGaT Center for Human Genetics Tuebingen
Classification: Uncertain significance. Last evaluated: 2025-04-01. Review status: criteria provided, single submitter. Criteria: CeGaT Center For Human Genetics Tuebingen Variant Classification Criteria Version 2. Collection method: clinical testing. Allele origin: germline. Affected: yes. Observed: 2 variant alleles.
Comment: ATM: PM2:Supporting, BP1

Institute for Biomarker Research, Medical Diagnostic Laboratories, L.L.C.
Classification: Uncertain significance for Hereditary cancer-predisposing syndrome. Last evaluated: 2024-12-16. Review status: criteria provided, single submitter. Criteria: ACMG Guidelines, 2015. Collection method: clinical testing. Allele origin: germline.
Comment: The missense variant NM_000051.4(ATM):c.9166G>T (p.Val3056Leu) has not been reported previously as a pathogenic variant nor as a benign variant, to our knowledge. . The gene ATM has a low rate of benign missense variation as indicated by a high The p.Val3056Leu missense variant is predicted to be damaging by both SIFT and PolyPhen2. The valine residue at codon 3056 of ATM is conserved in all mammalian species. The nucleotide c.9166 in ATM is predicted conserved by GERP++ and PhyloP across 100 vertebrates. For these reasons, this variant has been classified as Uncertain Significance

Ambry Genetics
Classification: Uncertain significance for Hereditary cancer-predisposing syndrome. Last evaluated: 2024-08-26. Review status: criteria provided, single submitter. Criteria: Ambry Variant Classification Scheme 2023. Collection method: clinical testing. Allele origin: germline.
Comment: The p.V3056L variant (also known as c.9166G>T), located in coding exon 62 of the ATM gene, results from a G to T substitution at nucleotide position 9166. The valine at codon 3056 is replaced by leucine, an amino acid with highly similar properties. This alteration has been detected in the germline of 1/302 pancreatic ductal adenocarcinoma patients tested with a 25-gene panel (Chaffee KG et al. Genet. Med., 2018 01;20:119-127) and in 1/5589 German BRCA1/2-negative probands with breast cancer (Hauke J et al. Cancer Med, 2018 04;7:1349-1358). This alteration has also been reported in the germline of 1/516 chronic lymphocytic leukemia patients and 0/8920 ethnically matched normal population control subjects of European descent (Tiao G et al. Leukemia, 2017 10;31:2244-2247). This amino acid position is highly conserved in available vertebrate species. In addition, this alteration is predicted to be tolerated by in silico analysis. Based on the available evidence, the clinical significance of this variant remains unclear.

Fulgent Genetics
Classification: Uncertain significance for Familial cancer of breast; Ataxia-telangiectasia syndrome. Last evaluated: 2024-06-05. Review status: criteria provided, single submitter. Criteria: ACMG Guidelines, 2015. Collection method: clinical testing. Allele origin: germline.

GeneDx
Classification: Uncertain significance. Last evaluated: 2024-01-12. Review status: criteria provided, single submitter. Criteria: GeneDx Variant Classification Process June 2021. Collection method: clinical testing. Allele origin: germline. Affected: yes.
Comment: Not observed at significant frequency in large population cohorts (gnomAD); In silico analysis supports that this missense variant does not alter protein structure/function; This variant is associated with the following publications: (PMID: 29522266, 35264596, 23532176, 33471991, 28726808)

Baylor Genetics
Classification: Uncertain significance for Familial cancer of breast. Last evaluated: 2023-09-07. Review status: criteria provided, single submitter. Criteria: ACMG Guidelines, 2015. Collection method: clinical testing. Allele origin: unknown.

PreventionGenetics, part of Exact Sciences
Classification: Uncertain significance for ATM-related condition. Last evaluated: 2023-03-21. Review status: criteria provided, single submitter. Criteria: ACMG Guidelines, 2015. Collection method: clinical testing. Allele origin: germline.
Comment: The ATM c.9166G>T variant is predicted to result in the amino acid substitution p.Val3056Leu. This variant has been reported in an individual with pancreatic and an individual with breast and/or ovarian cancer (Table S2, Chaffee et al. 2018. PubMed ID: 28726808; Table S1, Hauke et al. 2018. PubMed ID: 29522266). This variant has not been reported in a large population database, indicating this variant is rare. It has conflicting interpretations of likely benign and uncertain significance in ClinVar. At this time, the clinical significance of this variant is uncertain due to the absence of conclusive functional and genetic evidence.

Institute for Clinical Genetics, University Hospital TU Dresden, University Hospital TU Dresden
Classification: Uncertain significance. Last evaluated: 2021-11-03. Review status: criteria provided, single submitter. Criteria: ACMG Guidelines, 2015. Collection method: clinical testing. Allele origin: germline.

Sema4
Classification: Uncertain significance for Hereditary cancer-predisposing syndrome. Last evaluated: 2021-06-16. Review status: criteria provided, single submitter. Criteria: Sema4 Curation Guidelines. Collection method: curation. Allele origin: germline.
Comment: The ATM c.9166G>T (p.V3056L) variant has been reported in heterozygosity in at least two individuals with breast cancer, at least one individual with pancreatic cancer, and in unaffected controls (PMID: 33471991, 28726808, 29522266). It was not observed in the large and broad cohorts of the Genome Aggregation Database (PMID: 32461654). This variant has been reported in ClinVar (Variation ID: 181908). In silico tools suggest the impact of the variant on protein function is inconclusive, though these predictions have not been confirmed by functional studies. The evidence is insufficient to meet ACMG/AMP criteria for classifying the variant as benign or pathogenic. Thus, the clinical significance of this variant is currently uncertain.

Mendelics
Classification: Uncertain significance for Ataxia-telangiectasia syndrome. Last evaluated: 2018-07-02. Review status: criteria provided, single submitter. Criteria: Mendelics Assertion Criteria 2017. Collection method: clinical testing. Allele origin: unknown.

Color Diagnostics, LLC DBA Color Health
Classification: Likely benign for Hereditary cancer-predisposing syndrome. Last evaluated: 2016-04-28. Review status: criteria provided, single submitter. Criteria: ACMG Guidelines, 2015. Collection method: clinical testing. Allele origin: germline.

Women's Health and Genetics/Laboratory Corporation of America, LabCorp
Classification: Uncertain significance. Last evaluated: 2016-01-11. Review status: criteria provided, single submitter. Criteria: LabCorp Variant Classification Summary - May 2015. Collection method: clinical testing. Allele origin: germline.

Natera, Inc.
Classification: Uncertain significance for Ataxia-telangiectasia. Last evaluated: 2020-02-20. Review status: no assertion criteria provided. Collection method: clinical testing. Allele origin: germline. Not counted in ClinVar's aggregate classification.

Counsyl
Classification: Uncertain significance for Ataxia-telangiectasia syndrome. Last evaluated: 2017-06-23. Review status: no assertion criteria provided. Collection method: clinical testing. Allele origin: unknown. Not counted in ClinVar's aggregate classification.

Literature cited by the submitters: PubMed 28726808 (cited by 3 submitters); PubMed 29522266 (cited by 3 submitters); PubMed 35264596 (cited by Labcorp Genetics (formerly Invitae), Labcorp); PubMed 28652578 (cited by Ambry Genetics); PubMed 33471991 (cited by Sema4).